The following is an entry in ClinVar:

NM_001849.4(COL6A2):c.3051G>C (p.Trp1017Cys)

Gene: COL6A2 (collagen type VI alpha 2 chain; plus strand). Cytogenetic location: 21q22.3.
Variant type: single nucleotide variant.
Coding change: c.3051G>C on transcript NM_001849.4 (MANE Select); coding-DNA position 3051, G replaced by C.
Protein change: p.Trp1017Cys; replaces tryptophan 1017 with cysteine.
Molecular consequence: missense variant.
Genome position (GRCh38, 1-based): chr21:46,132,543, G>C. VCF-style: chr21-46132543-G-C. GRCh37 (hg19) VCF-style: chr21-47552457-G-C.
Other names: short protein forms W1017C.
Identifiers: ClinVar variation 1045741 (VCV001045741.9), dbSNP rs2078776827, ClinGen allele CA410550899.

ClinVar aggregate classification (germline): Uncertain significance (1 of 4 stars; one submission).

Conditions:
Bethlem myopathy 1A. Also called: Bethlem Muscular Dystrophy; MYOPATHY, BENIGN CONGENITAL, WITH CONTRACTURES; Bethlem myopathy 1. Identifiers: Orphanet 610, MedGen CN029274, MONDO:0024530, OMIM 158810.

gnomAD v4.1: 1 of 1,602,562 alleles (0.000062%); highest among the groups gnomAD compares: Non-Finnish European, 0.000085%; no homozygotes.

Submission:

Labcorp Genetics (formerly Invitae), Labcorp
Classification: Uncertain significance for Bethlem myopathy 1A. Last evaluated: 2020-11-30. Review status: criteria provided, single submitter. Criteria: Invitae Variant Classification Sherloc (09022015). Collection method: clinical testing. Allele origin: germline.
Comment: This variant is not present in population databases (ExAC no frequency). In summary, the available evidence is currently insufficient to determine the role of this variant in disease. Therefore, it has been classified as a Variant of Uncertain Significance. Advanced modeling of protein sequence and biophysical properties (such as structural, functional, and spatial information, amino acid conservation, physicochemical variation, residue mobility, and thermodynamic stability) performed at Invitae indicates that this missense variant is expected to disrupt COL6A2 protein function. This variant has not been reported in the literature in individuals with COL6A2-related conditions. This sequence change replaces tryptophan with cysteine at codon 1017 of the COL6A2 protein (p.Trp1017Cys). The tryptophan residue is highly conserved and there is a large physicochemical difference between tryptophan and cysteine.